The following is an entry in ClinVar:

NM_015295.3(SMCHD1):c.3047C>A (p.Pro1016His)

Gene: SMCHD1 (structural maintenance of chromosomes flexible hinge domain containing 1; plus strand). Cytogenetic location: 18p11.32.
Variant type: single nucleotide variant.
Coding change: c.3047C>A on transcript NM_015295.3 (MANE Select); coding-DNA position 3047, C replaced by A.
Protein change: p.Pro1016His; replaces proline 1016 with histidine.
Molecular consequence: missense variant.
Genome position (GRCh38, 1-based): chr18:2,729,408, C>A. VCF-style: chr18-2729408-C-A. GRCh37 (hg19) VCF-style: chr18-2729406-C-A.
Other names: short protein forms P1016H.
Identifiers: ClinVar variation 4726983 (VCV004726983.1).

ClinVar aggregate classification (germline): Uncertain significance (1 of 4 stars; one submission).

Conditions:
Facioscapulohumeral muscular dystrophy 2 (FSHD2). Also called: FACIOSCAPULOHUMERAL MUSCULAR DYSTROPHY 2, DIGENIC; FSHD2, DIGENIC; MUSCULAR DYSTROPHY, FACIOSCAPULOHUMERAL, TYPE 1B. Identifiers: Orphanet 269, MedGen C1834671, MONDO:0008031, OMIM 158901.

gnomAD v4.1: 4 of 1,511,886 alleles (0.00026%); highest among the groups gnomAD compares: South Asian, 0.0026%; no homozygotes.

Submission:

Labcorp Genetics (formerly Invitae), Labcorp
Classification: Uncertain significance for Facioscapulohumeral muscular dystrophy 2. Last evaluated: 2025-09-10. Review status: criteria provided, single submitter. Criteria: Invitae Variant Classification Sherloc (09022015). Collection method: clinical testing. Allele origin: germline.
Comment: This sequence change replaces proline, which is neutral and non-polar, with histidine, which is basic and polar, at codon 1016 of the SMCHD1 protein (p.Pro1016His). This variant is not present in population databases (gnomAD no frequency). This variant has not been reported in the literature in individuals affected with SMCHD1-related conditions. An algorithm developed to predict the effect of missense changes on protein structure and function (PolyPhen-2) suggests that this variant is likely to be disruptive. In summary, the available evidence is currently insufficient to determine the role of this variant in disease. Therefore, it has been classified as a Variant of Uncertain Significance.